The following is an entry in ClinVar:

ClinVar aggregate classification (germline): Likely pathogenic (1 of 4 stars; one submission).

Conditions:
Marfan syndrome (MFS). Also called: MARFAN SYNDROME, TYPE I; Marfan syndrome type 1; Marfan's syndrome; Marfan syndrome, classic; FBN1-Related Marfan Syndrome. Identifiers: Orphanet 284963, Orphanet 558, MedGen C0024796, MONDO:0007947, OMIM 154700.

Submission:

Suma Genomics
Classification: Likely pathogenic for Marfan syndrome. Review status: criteria provided, single submitter. Criteria: ACMG Guidelines, 2015. Collection method: clinical testing. Allele origin: paternal. Inheritance: Autosomal dominant inheritance. Affected: yes. Observed: 1 heterozygote.
Comment: This variant is not observed in the gnomAD database. ACMG criteria met: PVS1: Null variant in a gene where loss of function is a known mechanism of disease PM2_Supporting: Extremely low frequency in gnomAD population databases

NM_000138.5(FBN1):c.2655_2658dup (p.Cys887fs)

Gene: FBN1 (fibrillin 1; minus strand). Cytogenetic location: 15q21.1.
Variant type: Duplication.
Coding change: c.2655_2658dup on transcript NM_000138.5 (MANE Select); coding-DNA positions 2655 to 2658, 4 bases duplicated (CCCG; older notation c.2655_2658dupCCCG).
Protein change: p.Cys887fs; shifts the reading frame from cysteine 887.
Molecular consequence: frameshift variant.
Genome position (GRCh38, 1-based): chr15:48,495,142-48,495,145, CGGG duplicated on the plus strand (CCCG on the coding strand, the reverse complement: FBN1 is on the minus strand); duplicating any 4 consecutive bases within chr15:48,495,142-48,495,146 gives the same sequence; the c. name uses the placement nearest the transcript's 3' end. VCF-style (leftmost placement, unchanged base first): chr15-48495141-A-ACGGG. GRCh37 (hg19) VCF-style: chr15-48787338-A-ACGGG.
Other names: c.2655_2658dup, p.Cys887fs (NM_001406716.1); short protein forms C887fs.
Identifiers: ClinVar variation 4690286 (VCV004690286.1).